The following is an entry in ClinVar:

NM_006015.6(ARID1A):c.352A>G (p.Thr118Ala)

Gene: ARID1A (AT-rich interaction domain 1A; plus strand). Cytogenetic location: 1p36.11.
Variant type: single nucleotide variant.
Coding change: c.352A>G on transcript NM_006015.6 (MANE Select); coding-DNA position 352, A replaced by G.
Protein change: p.Thr118Ala; replaces threonine 118 with alanine.
Molecular consequence: missense variant.
Genome position (GRCh38, 1-based): chr1:26,696,755, A>G. VCF-style: chr1-26696755-A-G. GRCh37 (hg19) VCF-style: chr1-27023246-A-G.
Other names: c.352A>G, p.Thr118Ala (NM_139135.4); short protein forms T118A.
Identifiers: ClinVar variation 3359853 (VCV003359853.1).

ClinVar aggregate classification (germline): Uncertain significance (1 of 4 stars; one submission).

gnomAD v4.1: 1 of 1,352,464 alleles (0.000074%); highest among the groups gnomAD compares: Non-Finnish European, 0.000095%; no homozygotes.

Submission:

GeneDx
Classification: Uncertain significance. Last evaluated: 2023-06-13. Review status: criteria provided, single submitter. Criteria: GeneDx Variant Classification Process June 2021. Collection method: clinical testing. Allele origin: germline. Affected: yes.
Comment: Not observed at significant frequency in large population cohorts (gnomAD); In silico analysis supports that this missense variant does not alter protein structure/function; Has not been previously reported as a pathogenic or benign germline variant to our knowledge; This variant is associated with the following publications: (PMID: 34399808)